The following is an entry in ClinVar:

ClinVar aggregate classification (germline): Uncertain significance (1 of 4 stars; one submission).

Conditions:
Fetal akinesia deformation sequence 1 (FADS1). Also called: Pena-Shokeir syndrome type I; Fetal akinesia sequence. Identifiers: Orphanet 994, MedGen C1276035, MONDO:0100101, OMIM 208150, HP:0001989.
Congenital myasthenic syndrome 10. Also called: Myasthenia, limb-girdle, familial. Identifiers: Orphanet 590, MedGen C1850792, MONDO:0009690, OMIM 254300.

Allele frequency attached by ClinVar (database versions not stated): gnomAD exomes below 0.00001; TOPMed 0.00001.
gnomAD v4.1: 2 of 1,557,176 alleles (0.00013%); highest among the groups gnomAD compares: African/African-American, 0.0013%; no homozygotes.

Submission:

Labcorp Genetics (formerly Invitae), Labcorp
Classification: Uncertain significance for Congenital myasthenic syndrome 10; Fetal akinesia deformation sequence 1. Last evaluated: 2025-04-14. Review status: criteria provided, single submitter. Criteria: Invitae Variant Classification Sherloc (09022015). Collection method: clinical testing. Allele origin: germline.
Comment: This sequence change replaces serine, which is neutral and polar, with asparagine, which is neutral and polar, at codon 334 of the DOK7 protein (p.Ser334Asn). This variant is not present in population databases (gnomAD no frequency). This variant has not been reported in the literature in individuals affected with DOK7-related conditions. ClinVar contains an entry for this variant (Variation ID: 659048). Invitae Evidence Modeling of protein sequence and biophysical properties (such as structural, functional, and spatial information, amino acid conservation, physicochemical variation, residue mobility, and thermodynamic stability) indicates that this missense variant is not expected to disrupt DOK7 protein function with a negative predictive value of 80%. In summary, the available evidence is currently insufficient to determine the role of this variant in disease. Therefore, it has been classified as a Variant of Uncertain Significance.

NM_173660.5(DOK7):c.1001G>A (p.Ser334Asn)

Gene: DOK7 (docking protein 7; plus strand). Cytogenetic location: 4p16.3.
Variant type: single nucleotide variant.
Coding change: c.1001G>A on transcript NM_173660.5 (MANE Select); coding-DNA position 1001, G replaced by A.
Protein change: p.Ser334Asn; replaces serine 334 with asparagine.
Molecular consequence: missense variant. On other transcripts: 3 prime UTR variant (1).
Genome position (GRCh38, 1-based): chr4:3,492,987, G>A. VCF-style: chr4-3492987-G-A. GRCh37 (hg19) VCF-style: chr4-3494714-G-A.
Other names: c.*222G>A (NM_001164673.2); c.71G>A, p.Ser24Asn (NM_001256896.2); c.1001G>A, p.Ser334Asn (NM_001301071.2); c.569G>A, p.Ser190Asn (NM_001363811.2); short protein forms S190N, S24N, S334N.
Identifiers: ClinVar variation 659048 (VCV000659048.7), dbSNP rs1467473001, ClinGen allele CA356117157.